The following is an entry in ClinVar:

ClinVar aggregate classification (germline): Conflicting classifications of pathogenicity. Review status: criteria provided, conflicting classifications (1 of 4 stars). 11 submissions from 11 submitters: Uncertain significance (1); Benign (1); Likely benign (7). 2 of the submissions do not count toward it. Last evaluated 2026-02-03.

Conditions:
Hereditary cancer-predisposing syndrome. Also called: Tumor predisposition; Hereditary Cancer Syndrome; Hereditary neoplastic syndrome; Neoplastic Syndromes, Hereditary. Identifiers: Orphanet 140162, MedGen C0027672, MeSH D009386, MONDO:0015356.
Peutz-Jeghers syndrome (PJS). Also called: POLYPOSIS, HAMARTOMATOUS INTESTINAL; POLYPS-AND-SPOTS SYNDROME; Peutz-Jeghers polyposis; Periorificial lentiginosis syndrome. Identifiers: Orphanet 2869, MedGen C0031269, MeSH D010580, MONDO:0008280, OMIM 175200.
Malignant tumor of breast. Also called: Malignant breast neoplasm; Cancer breast. Identifiers: MedGen C0006142, MONDO:0007254. Disease mechanism: loss of function.

Allele frequency attached by ClinVar (database versions not stated): TOPMed 0.00003; gnomAD 0.00004 and 0.00005; gnomAD exomes 0.00006; ESP Exome Variant Server 0.00017.
gnomAD v4.1: 61 of 1,612,358 alleles (0.0038%); highest among the groups gnomAD compares: East Asian, 0.027%; no homozygotes.

Submissions (11):

Labcorp Genetics (formerly Invitae), Labcorp
Classification: Likely benign for Peutz-Jeghers syndrome. Last evaluated: 2026-02-03. Review status: criteria provided, single submitter. Criteria: Invitae Variant Classification Sherloc (09022015). Collection method: clinical testing. Allele origin: germline.

Center for Genomic Medicine, Rigshospitalet, Copenhagen University Hospital
Classification: Likely benign. Last evaluated: 2025-03-04. Review status: criteria provided, single submitter. Criteria: ACMG Guidelines, 2015. Collection method: clinical testing. Allele origin: germline.

Blueprint Genetics
Classification: Likely benign. Last evaluated: 2022-09-15. Review status: criteria provided, single submitter. Criteria: ACMG Guidelines, 2015. Collection method: clinical testing. Allele origin: germline.

Genome-Nilou Lab
Classification: Likely benign for Peutz-Jeghers syndrome. Last evaluated: 2021-07-15. Review status: criteria provided, single submitter. Criteria: ACMG Guidelines, 2015. Collection method: clinical testing. Allele origin: germline. Affected: no.

Sema4
Classification: Likely benign for Hereditary cancer-predisposing syndrome. Last evaluated: 2020-12-31. Review status: criteria provided, single submitter. Criteria: Sema4 Curation Guidelines. Collection method: curation. Allele origin: germline.

Illumina Laboratory Services, Illumina
Classification: Uncertain significance for Peutz-Jeghers syndrome. Last evaluated: 2018-01-12. Review status: criteria provided, single submitter. Criteria: ICSL Variant Classification Criteria 13 December 2019. Collection method: clinical testing. Allele origin: germline.

PreventionGenetics, part of Exact Sciences
Classification: Likely benign. Last evaluated: 2017-07-07. Review status: criteria provided, single submitter. Criteria: ACMG Guidelines, 2015. Collection method: clinical testing. Allele origin: germline.

Color Diagnostics, LLC DBA Color Health
Classification: Likely benign for Hereditary cancer-predisposing syndrome. Last evaluated: 2017-01-09. Review status: criteria provided, single submitter. Criteria: ACMG Guidelines, 2015. Collection method: clinical testing. Allele origin: germline.

GeneDx
Classification: Benign. Last evaluated: 2014-08-12. Review status: criteria provided, single submitter. Criteria: GeneDx Variant Classification (06012015). Collection method: clinical testing. Allele origin: germline. Affected: yes.
Comment: This variant is considered likely benign or benign based on one or more of the following criteria: it is a conservative change, it occurs at a poorly conserved position in the protein, it is predicted to be benign by multiple in silico algorithms, and/or has population frequency not consistent with disease.

Counsyl
Classification: Uncertain significance for Peutz-Jeghers syndrome. Last evaluated: 2015-11-24. Review status: no assertion criteria provided. Collection method: clinical testing. Allele origin: unknown. Not counted in ClinVar's aggregate classification.

Department of Pathology and Laboratory Medicine, Sinai Health System
Classification: Likely benign for Malignant tumor of breast. Review status: no assertion criteria provided. Collection method: clinical testing. Allele origin: unknown. Affected: yes. Study: The Canadian Open Genetics Repository (COGR). Not counted in ClinVar's aggregate classification.
Comment: STK11, EXON2, c.374+11C>T, r.(spl?), Heterozygous, Likely BenignrnThe STK11 c.374+11C>T variant was not identified in the literature nor was it identified in the LOVD 3.0 database. The variant was identified in dbSNP (ID: rs368923696) and in ClinVar (1X benign by GeneDx, 2X likely benign by Color and Prevention Genetics, and 2X as uncertain by Counsyl and Illumina). The variant was identified in control databases in 19 of 279962 chromosomes at a frequency of 0.00007 (Genome Aggregation Database Feb 27, 2017). This observed frequency is greater than the reported frequency of Peutz Jegher Syndrome suggesting that this variant is too common to be pathogenic for this condition. The variant was observed in the following populations: East Asian in 10 of 19522 chromosomes (freq: 0.0005), South Asian in 5 of 30600 chromosomes (freq: 0.0002), Other in 1 of 7128 chromosomes (freq: 0.0001), African in 2 of 24154 chromosomes (freq: 0.00008), European (non-Finnish) in 1 of 127982 chromosomes (freq: 0.000008); it was not observed in the Latino, Ashkenazi Jewish, or Finnish populations. The variant occurs outside of the splicing consensus sequence and in silico or computational prediction software programs (SpliceSiteFinder, MaxEntScan, NNSPLICE, GeneSplicer) do not predict a difference in splicing. In summary, based on the above information the clinical significance of this variant cannot be determined with certainty at this time, although we would lean towards a more benign role for this variant. This variant is classified as likely benign. Assessment Date: 2019/06/24.

NM_000455.5(STK11):c.374+11C>T

Gene: STK11 (serine/threonine kinase 11; plus strand). Cytogenetic location: 19p13.3.
Variant type: single nucleotide variant.
Coding change: c.374+11C>T on transcript NM_000455.5 (MANE Select); 11 bases into the intron after coding-DNA position 374, C replaced by T.
Molecular consequence: intron variant.
Genome position (GRCh38, 1-based): chr19:1,218,511, C>T. VCF-style: chr19-1218511-C-T. GRCh37 (hg19) VCF-style: chr19-1218510-C-T.
Identifiers: ClinVar variation 182878 (VCV000182878.24), dbSNP rs368923696, ClinGen allele CA022853.
Genomic context (GRCh38, chr19:1,218,511, plus strand): 5'-AATGTCATCCAGCTGGTGGATGTGTTATACAACGAAGAGAAGCAGAAAATATATCCTTTC[C>T]GGTGTTGGGACCGCGGGGCCTCCGTGGGAGGGGCTGGGGCCCTGGGTCCGCCTGCCTCGA-3'